The following is an entry in ClinVar:

NM_000484.4(APP):c.1000G>C (p.Glu334Gln)

Gene: APP (amyloid beta precursor protein; minus strand). Cytogenetic location: 21q21.3.
Variant type: single nucleotide variant.
Coding change: c.1000G>C on transcript NM_000484.4 (MANE Select); coding-DNA position 1000, G replaced by C.
Protein change: p.Glu334Gln; replaces glutamic acid 334 with glutamine.
Molecular consequence: missense variant. On other transcripts: intron variant (5).
Genome position (GRCh38, 1-based): chr21:26,000,048, C>G on the plus strand (G>C on the coding strand, the complement: APP is on the minus strand). VCF-style: chr21-26000048-C-G. GRCh37 (hg19) VCF-style: chr21-27372363-C-G.
Other names: c.1000G>C (NM_000484.3); c.985G>C, p.Glu329Gln (NM_001136016.3); c.832G>C, p.Glu278Gln (NM_001136130.3); c.1000G>C, p.Glu334Gln (NM_001204301.2, NM_001204302.2, NM_201413.3); c.761-17571G>C (NM_001136131.3); c.698-17571G>C (NM_001136129.3); c.866-17571G>C (NM_001204303.2, NM_201414.3); c.866-2632G>C (NM_001385253.1); short protein forms E329Q, E334Q, E278Q.
Identifiers: ClinVar variation 2050678 (VCV002050678.5), dbSNP rs1277997399, ClinGen allele CA409810980.

ClinVar aggregate classification (germline): Uncertain significance. Review status: criteria provided, multiple submitters, no conflicts (2 of 4 stars). 2 submissions from 2 submitters: Uncertain significance (2). Last evaluated 2025-09-15.

Conditions:
Alzheimer disease. Also called: Presenile and senile dementia; Alzheimer's disease. Identifiers: Orphanet 1020, MedGen C0002395, MeSH D000544, MONDO:0004975, HP:0002511.

Allele frequency attached by ClinVar (database versions not stated): gnomAD 0.00001; TOPMed 0.00001.
gnomAD v4.1: 8 of 1,614,020 alleles (0.0005%); highest among the groups gnomAD compares: Admixed American, 0.0017%; no homozygotes.

Submissions (2):

Labcorp Genetics (formerly Invitae), Labcorp
Classification: Uncertain significance for Alzheimer disease. Last evaluated: 2025-09-15. Review status: criteria provided, single submitter. Criteria: Invitae Variant Classification Sherloc (09022015). Collection method: clinical testing. Allele origin: germline.
Comment: This sequence change replaces glutamic acid, which is acidic and polar, with glutamine, which is neutral and polar, at codon 334 of the APP protein (p.Glu334Gln). This variant is not present in population databases (gnomAD no frequency). This variant has not been reported in the literature in individuals affected with APP-related conditions. ClinVar contains an entry for this variant (Variation ID: 2050678). Invitae Evidence Modeling of protein sequence and biophysical properties (such as structural, functional, and spatial information, amino acid conservation, physicochemical variation, residue mobility, and thermodynamic stability) indicates that this missense variant is not expected to disrupt APP protein function with a negative predictive value of 95%. In summary, the available evidence is currently insufficient to determine the role of this variant in disease. Therefore, it has been classified as a Variant of Uncertain Significance.

GeneDx
Classification: Uncertain significance. Last evaluated: 2025-01-28. Review status: criteria provided, single submitter. Criteria: GeneDx Variant Classification Process June 2021. Collection method: clinical testing. Allele origin: germline. Affected: yes.
Comment: Not observed at significant frequency in large population cohorts (gnomAD); In silico analysis indicates that this missense variant does not alter protein structure/function; Has not been previously published as pathogenic or benign to our knowledge